The following is an entry in ClinVar:

NM_006486.3(FBLN1):c.1855C>T (p.Arg619Trp)

Gene: FBLN1 (fibulin 1; plus strand). Cytogenetic location: 22q13.31.
Variant type: single nucleotide variant.
Coding change: c.1855C>T on transcript NM_006486.3 (MANE Select); coding-DNA position 1855, C replaced by T.
Protein change: p.Arg619Trp; replaces arginine 619 with tryptophan.
Molecular consequence: missense variant.
Genome position (GRCh38, 1-based): chr22:45,576,991, C>T. VCF-style: chr22-45576991-C-T. GRCh37 (hg19) VCF-style: chr22-45972871-C-T.
Other names: c.1855C>T (NM_006486.2); short protein forms R619W.
Identifiers: ClinVar variation 3714102 (VCV003714102.3).

ClinVar aggregate classification (germline): Uncertain significance. Review status: criteria provided, multiple submitters, no conflicts (2 of 4 stars). 2 submissions from 2 submitters: Uncertain significance (2). Last evaluated 2025-08-21.

gnomAD v4.1: 38 of 1,613,984 alleles (0.0024%); highest among the groups gnomAD compares: Admixed American, 0.015%; no homozygotes.

Submissions (2):

Ambry Genetics
Classification: Uncertain significance. Last evaluated: 2025-08-21. Review status: criteria provided, single submitter. Criteria: Ambry Variant Classification Scheme 2023. Collection method: clinical testing. Allele origin: germline.

Labcorp Genetics (formerly Invitae), Labcorp
Classification: Uncertain significance. Last evaluated: 2025-02-13. Review status: criteria provided, single submitter. Criteria: Invitae Variant Classification Sherloc (09022015). Collection method: clinical testing. Allele origin: germline.
Comment: This sequence change replaces arginine, which is basic and polar, with tryptophan, which is neutral and slightly polar, at codon 619 of the FBLN1 protein (p.Arg619Trp). This variant is present in population databases (rs201056633, gnomAD 0.01%). This variant has not been reported in the literature in individuals affected with FBLN1-related conditions. An algorithm developed to predict the effect of missense changes on protein structure and function (PolyPhen-2) suggests that this variant is likely to be disruptive. In summary, the available evidence is currently insufficient to determine the role of this variant in disease. Therefore, it has been classified as a Variant of Uncertain Significance.